The following is an entry in ClinVar:

ClinVar aggregate classification (germline): Uncertain significance (1 of 4 stars; one submission).

Allele frequency attached by ClinVar (database versions not stated): gnomAD exomes below 0.00001; ExAC 0.00002; TOPMed 0.00004; 1000 Genomes Project 0.00020.

Submission:

Labcorp Genetics (formerly Invitae), Labcorp
Classification: Uncertain significance. Last evaluated: 2023-12-15. Review status: criteria provided, single submitter. Criteria: Invitae Variant Classification Sherloc (09022015). Collection method: clinical testing. Allele origin: germline.
Comment: This sequence change affects a donor splice site in intron 3 of the ADGRE2 gene. It is expected to disrupt RNA splicing. Variants that disrupt the donor or acceptor splice site typically lead to a loss of protein function (PMID: 16199547), however the current clinical and genetic evidence is not sufficient to establish whether loss-of-function variants in ADGRE2 cause disease. This variant is present in population databases (rs543128946, gnomAD 0.01%). This variant has not been reported in the literature in individuals affected with ADGRE2-related conditions. Algorithms developed to predict the effect of sequence changes on RNA splicing suggest that this variant may disrupt the consensus splice site. In summary, the available evidence is currently insufficient to determine the role of this variant in disease. Therefore, it has been classified as a Variant of Uncertain Significance.

Literature cited by the submitters: PubMed 16199547.

NM_013447.4(ADGRE2):c.82+2T>G

Gene: ADGRE2 (adhesion G protein-coupled receptor E2; minus strand). Cytogenetic location: 19p13.12.
Variant type: single nucleotide variant.
Coding change: c.82+2T>G on transcript NM_013447.4 (MANE Select); the canonical splice donor site of the intron after coding-DNA position 82, T replaced by G.
Molecular consequence: splice donor variant.
Genome position (GRCh38, 1-based): chr19:14,774,254, A>C on the plus strand (T>G on the coding strand, the complement: ADGRE2 is on the minus strand). VCF-style: chr19-14774254-A-C. GRCh37 (hg19) VCF-style: chr19-14885066-A-C.
Other names: c.82+2T>G (NM_152917.2, NM_152916.2, NM_001271052.1).
Identifiers: ClinVar variation 2882749 (VCV002882749.3), dbSNP rs543128946, ClinGen allele CA9258325.